The following is an entry in ClinVar:

NM_017946.4(FKBP14):c.119G>A (p.Arg40His)

Genes: FKBP14-AS1 (FKBP14 antisense RNA 1; plus strand), FKBP14 (FKBP prolyl isomerase 14; minus strand). Cytogenetic location: 7p14.3.
Variant type: single nucleotide variant.
Coding change: c.119G>A on transcript NM_017946.4 (MANE Select); coding-DNA position 119, G replaced by A.
Protein change: p.Arg40His; replaces arginine 40 with histidine.
Molecular consequence: missense variant. On other transcripts: non-coding transcript variant (2).
Genome position (GRCh38, 1-based): chr7:30,026,390, C>T on the plus strand (G>A on the coding strand, the complement: FKBP14 is on the minus strand). VCF-style: chr7-30026390-C-T. GRCh37 (hg19) VCF-style: chr7-30066006-C-T.
Other names: short protein forms R40H.
Identifiers: ClinVar variation 473000 (VCV000473000.9), dbSNP rs1554371032, ClinGen allele CA367117862.

ClinVar aggregate classification (germline): Uncertain significance (1 of 4 stars; one submission).

Conditions:
Ehlers-Danlos syndrome, kyphoscoliotic type, 2. Also called: Ehlers-Danlos syndrome, kyphoscoliotic and deafness type; Ehlers-Danlos syndrome with progressive kyphoscoliosis, myopathy, and hearing loss; FKBP14-Kyphoscoliotic Ehlers-Danlos Syndrome. Identifiers: Orphanet 300179, MedGen C3281160, MONDO:0013800, OMIM 614557.

Submission:

Labcorp Genetics (formerly Invitae), Labcorp
Classification: Uncertain significance for Ehlers-Danlos syndrome, kyphoscoliotic type, 2. Last evaluated: 2016-12-27. Review status: criteria provided, single submitter. Criteria: Invitae Variant Classification Sherloc (09022015). Collection method: clinical testing. Allele origin: germline.
Comment: This variant is not present in population databases (ExAC no frequency) and has not been reported in the literature in individuals with a FKBP14-related disease. In summary, this variant is a novel missense change with uncertain impact on protein function. It has been classified as a Variant of Uncertain Significance. Algorithms developed to predict the effect of missense changes on protein structure and function do not agree on the potential impact of this missense change (SIFT: "Tolerated"; PolyPhen-2: "Probably Damaging"; Align-GVGD: "Class C0"). This sequence change replaces arginine with histidine at codon 40 of the FKBP14 protein (p.Arg40His). The arginine residue is highly conserved and there is a small physicochemical difference between arginine and histidine.